The following is an entry in ClinVar:

ClinVar aggregate classification (germline): Uncertain significance (1 of 4 stars; one submission).

Conditions:
Brugada syndrome 4 (BRGDA4). Identifiers: Orphanet 130, MedGen C2678477, MONDO:0012743, OMIM 611876.

Submission:

Labcorp Genetics (formerly Invitae), Labcorp
Classification: Uncertain significance for Brugada syndrome 4. Last evaluated: 2019-12-19. Review status: criteria provided, single submitter. Criteria: Invitae Variant Classification Sherloc (09022015). Collection method: clinical testing. Allele origin: germline.
Comment: This sequence change affects an acceptor splice site in intron 9 of the CACNB2 gene. It is expected to disrupt RNA splicing and likely results in an absent or disrupted protein product. This variant is not present in population databases (ExAC no frequency). This variant has not been reported in the literature in individuals with CACNB2-related conditions. Algorithms developed to predict the effect of sequence changes on RNA splicing suggest that this variant may disrupt the consensus splice site, but this prediction has not been confirmed by published transcriptional studies. The current clinical and genetic evidence is not sufficient to establish whether loss-of-function variants in CACNB2 cause disease. In summary, the available evidence is currently insufficient to determine the role of this variant in disease. Therefore, it has been classified as a Variant of Uncertain Significance.

NM_201596.3(CACNB2):c.1055-1G>A

Gene: CACNB2 (calcium voltage-gated channel auxiliary subunit beta 2; plus strand). Cytogenetic location: 10p12.31.
Variant type: single nucleotide variant.
Coding change: c.1055-1G>A on transcript NM_201596.3 (MANE Select); the canonical splice acceptor site of the intron before coding-DNA position 1055, G replaced by A.
Molecular consequence: splice acceptor variant.
Genome position (GRCh38, 1-based): chr10:18,534,075, G>A. VCF-style: chr10-18534075-G-A. GRCh37 (hg19) VCF-style: chr10-18823004-G-A.
Other names: c.971-1G>A (NM_201571.4); c.857-1G>A (NM_001167945.2); c.899-1G>A (NM_201572.4); c.941-1G>A (NM_201593.3); c.983-1G>A (NM_201597.3); c.890-1G>A (NM_000724.4); c.776-1G>A (NM_001330060.2); c.893-1G>A (NM_201590.3); and 2 more.
Identifiers: ClinVar variation 860220 (VCV000860220.9), dbSNP rs2053323477, ClinGen allele CA376067570.